The following is an entry in ClinVar:

NM_000642.3(AGL):c.3207G>C (p.Arg1069Ser)

Gene: AGL (amylo-alpha-1,6-glucosidase and 4-alpha-glucanotransferase; plus strand). Cytogenetic location: 1p21.2.
Variant type: single nucleotide variant.
Coding change: c.3207G>C on transcript NM_000642.3 (MANE Select); coding-DNA position 3207, G replaced by C.
Protein change: p.Arg1069Ser; replaces arginine 1069 with serine.
Molecular consequence: missense variant.
Genome position (GRCh38, 1-based): chr1:99,892,555, G>C. VCF-style: chr1-99892555-G-C. GRCh37 (hg19) VCF-style: chr1-100358111-G-C.
Other names: c.3159G>C, p.Arg1053Ser (NM_000646.3); c.3207G>C, p.Arg1069Ser (NM_000028.3, NM_000643.3, NM_000644.3 and 1 more transcripts); c.3186G>C, p.Arg1062Ser (NM_001425326.1); c.3006G>C, p.Arg1002Ser (NM_001425327.1); c.3003G>C, p.Arg1001Ser (NM_001425328.1); c.2868G>C, p.Arg956Ser (NM_001425329.1); c.2829G>C, p.Arg943Ser (NM_001425332.1); short protein forms R1053S, R1069S, R1001S, R1002S, R1062S, R943S, R956S.
Identifiers: ClinVar variation 1057946 (VCV001057946.6), dbSNP rs1346677449, ClinGen allele CA341327058.
Genomic context (GRCh38, chr1:99,892,555, plus strand): 5'-AGTAGGAAAATTCCCTTCCCTGCCAATTCTTTCACCTGCCCTAATGGATGTACCTTATAG[G>C]TTAAATGAGATCACAAAAGAAAAGGAGCAATGTTGTGTTTCTCTAGCTGCAGGTAAGGAA-3'
Protein context (NP_000633.2, residues 1059-1079): LSPALMDVPY[Arg1069Ser]LNEITKEKEQ

ClinVar aggregate classification (germline): Uncertain significance (1 of 4 stars; one submission).

Conditions:
Glycogen storage disease type III (GSD3). Also called: Cori disease; FORBES DISEASE. Identifiers: Orphanet 366, MedGen C0017922, MONDO:0009291, OMIM 232400.

Submission:

Labcorp Genetics (formerly Invitae), Labcorp
Classification: Uncertain significance for Glycogen storage disease type III. Last evaluated: 2021-08-31. Review status: criteria provided, single submitter. Criteria: Invitae Variant Classification Sherloc (09022015). Collection method: clinical testing. Allele origin: germline.
Comment: This sequence change replaces arginine with serine at codon 1069 of the AGL protein (p.Arg1069Ser). The arginine residue is weakly conserved and there is a moderate physicochemical difference between arginine and serine. This variant is not present in population databases (ExAC no frequency). This variant has not been reported in the literature in individuals affected with AGL-related conditions. Algorithms developed to predict the effect of missense changes on protein structure and function (SIFT, PolyPhen-2, Align-GVGD) all suggest that this variant is likely to be tolerated. In summary, the available evidence is currently insufficient to determine the role of this variant in disease. Therefore, it has been classified as a Variant of Uncertain Significance.